The following is an entry in ClinVar:

NM_006133.3(DAGLA):c.279C>T (p.Ser93=)

Gene: DAGLA (diacylglycerol lipase alpha; plus strand). Cytogenetic location: 11q12.2.
Variant type: single nucleotide variant.
Coding change: c.279C>T on transcript NM_006133.3 (MANE Select); coding-DNA position 279, C replaced by T.
Protein change: p.Ser93=; no amino-acid change (serine 93 retained).
Molecular consequence: synonymous variant.
Genome position (GRCh38, 1-based): chr11:61,720,862, C>T. VCF-style: chr11-61720862-C-T. GRCh37 (hg19) VCF-style: chr11-61488334-C-T.
Identifiers: ClinVar variation 4875072 (VCV004875072.2).

ClinVar aggregate classification (germline): Likely benign (1 of 4 stars; one submission).

gnomAD v4.1: 16 of 1,613,314 alleles (0.00099%); highest among the groups gnomAD compares: Admixed American, 0.02%; no homozygotes.

Submission:

CeGaT Center for Human Genetics Tuebingen
Classification: Likely benign. Last evaluated: 2026-06-01. Review status: criteria provided, single submitter. Criteria: CeGaT Center For Human Genetics Tuebingen Variant Classification Criteria Version 2. Collection method: clinical testing. Allele origin: germline. Affected: yes. Observed: 1 variant allele.
Comment: DAGLA: BP4, BS2